The following is an entry in ClinVar:

ClinVar aggregate classification (germline): Conflicting classifications of pathogenicity. Review status: criteria provided, conflicting classifications (1 of 4 stars). 2 submissions from 2 submitters: Likely pathogenic (1); Uncertain significance (1). Last evaluated 2025-01-06.

Conditions:
Polycystic kidney disease, adult type (PKD1). Also called: Polycystic Kidney Disease 1, Autosomal Dominant; Polycystic kidney disease 1; Polycystic kidney disease 1, severe; POLYCYSTIC KIDNEY DISEASE 1 WITH OR WITHOUT POLYCYSTIC LIVER DISEASE; POLYCYSTIC KIDNEY DISEASE, ADULT, TYPE I; Polycystic Kidney, Autosomal Dominant. Identifiers: MedGen C3149841, MONDO:0008263, OMIM 173900.

Submissions (2):

GeneDx
Classification: Uncertain significance. Last evaluated: 2025-01-06. Review status: criteria provided, single submitter. Criteria: GeneDx Variant Classification Process June 2021. Collection method: clinical testing. Allele origin: germline. Affected: yes.
Comment: Not observed at significant frequency in large population cohorts (gnomAD); In silico analysis supports that this missense variant has a deleterious effect on protein structure/function; This variant is associated with the following publications: (PMID: 34032358)

Fulgent Genetics
Classification: Likely pathogenic for Polycystic kidney disease, adult type. Last evaluated: 2024-06-05. Review status: criteria provided, single submitter. Criteria: ACMG Guidelines, 2015. Collection method: clinical testing. Allele origin: germline.

NM_001009944.3(PKD1):c.9789G>T (p.Trp3263Cys)

Gene: PKD1 (polycystin 1, transient receptor potential channel interacting; minus strand). Cytogenetic location: 16p13.3.
Variant type: single nucleotide variant.
Coding change: c.9789G>T on transcript NM_001009944.3 (MANE Select); coding-DNA position 9789, G replaced by T.
Protein change: p.Trp3263Cys; replaces tryptophan 3263 with cysteine.
Molecular consequence: missense variant.
Genome position (GRCh38, 1-based): chr16:2,099,995, C>A on the plus strand (G>T on the coding strand, the complement: PKD1 is on the minus strand). VCF-style: chr16-2099995-C-A. GRCh37 (hg19) VCF-style: chr16-2149996-C-A.
Other names: c.9789G>T, p.Trp3263Cys (NM_000296.4); short protein forms W3263C.
Identifiers: ClinVar variation 3579073 (VCV003579073.2).